The following is an entry in ClinVar:

ClinVar aggregate classification (germline): Uncertain significance (1 of 4 stars; one submission).

Allele frequency attached by ClinVar (database versions not stated): ExAC 0.00002.

Submission:

Labcorp Genetics (formerly Invitae), Labcorp
Classification: Uncertain significance. Last evaluated: 2023-11-27. Review status: criteria provided, single submitter. Criteria: Invitae Variant Classification Sherloc (09022015). Collection method: clinical testing. Allele origin: germline.
Comment: This sequence change replaces methionine, which is neutral and non-polar, with arginine, which is basic and polar, at codon 156 of the UNC45A protein (p.Met156Arg). This variant is present in population databases (rs766705220, gnomAD 0.02%). This variant has not been reported in the literature in individuals affected with UNC45A-related conditions. ClinVar contains an entry for this variant (Variation ID: 1513916). Advanced modeling of protein sequence and biophysical properties (such as structural, functional, and spatial information, amino acid conservation, physicochemical variation, residue mobility, and thermodynamic stability) performed at Invitae indicates that this missense variant is expected to disrupt UNC45A protein function with a positive predictive value of 80%. In summary, the available evidence is currently insufficient to determine the role of this variant in disease. Therefore, it has been classified as a Variant of Uncertain Significance.

NM_018671.5(UNC45A):c.467T>G (p.Met156Arg)

Gene: UNC45A (unc-45 myosin chaperone A; plus strand). Cytogenetic location: 15q26.1.
Variant type: single nucleotide variant.
Coding change: c.467T>G on transcript NM_018671.5 (MANE Select); coding-DNA position 467, T replaced by G.
Protein change: p.Met156Arg; replaces methionine 156 with arginine.
Molecular consequence: missense variant.
Genome position (GRCh38, 1-based): chr15:90,939,771, T>G. VCF-style: chr15-90939771-T-G. GRCh37 (hg19) VCF-style: chr15-91483001-T-G.
Other names: c.422T>G, p.Met141Arg (NM_001039675.2, NM_001323621.2); c.467T>G, p.Met156Arg (NM_001323619.1); c.32T>G, p.Met11Arg (NM_001323620.2); short protein forms M156R, M141R, M11R.
Identifiers: ClinVar variation 1513916 (VCV001513916.7), dbSNP rs766705220, ClinGen allele CA7742550.